The following is an entry in ClinVar:

NM_004859.4(CLTC):c.3555G>C (p.Glu1185Asp)

Gene: CLTC (clathrin heavy chain; plus strand). Cytogenetic location: 17q23.1.
Variant type: single nucleotide variant.
Coding change: c.3555G>C on transcript NM_004859.4 (MANE Select); coding-DNA position 3555, G replaced by C.
Protein change: p.Glu1185Asp; replaces glutamic acid 1185 with aspartic acid.
Molecular consequence: missense variant.
Genome position (GRCh38, 1-based): chr17:59,682,383, G>C. VCF-style: chr17-59682383-G-C. GRCh37 (hg19) VCF-style: chr17-57759744-G-C.
Other names: c.3567G>C, p.Glu1189Asp (NM_001288653.2); short protein forms E1189D, E1185D.
Identifiers: ClinVar variation 1498311 (VCV001498311.8), dbSNP rs2033098216, ClinGen allele CA400418074.

ClinVar aggregate classification (germline): Uncertain significance (1 of 4 stars; one submission).

Allele frequency attached by ClinVar (database versions not stated): TOPMed below 0.00001; gnomAD 0.00001.
gnomAD v4.1: 2 of 1,614,034 alleles (0.00012%); highest among the groups gnomAD compares: African/African-American, 0.0027%; no homozygotes.

Submission:

Labcorp Genetics (formerly Invitae), Labcorp
Classification: Uncertain significance. Last evaluated: 2023-11-27. Review status: criteria provided, single submitter. Criteria: Invitae Variant Classification Sherloc (09022015). Collection method: clinical testing. Allele origin: germline.
Comment: This sequence change replaces glutamic acid, which is acidic and polar, with aspartic acid, which is acidic and polar, at codon 1189 of the CLTC protein (p.Glu1189Asp). This variant is not present in population databases (gnomAD no frequency). This variant has not been reported in the literature in individuals affected with CLTC-related conditions. ClinVar contains an entry for this variant (Variation ID: 1498311). Advanced modeling of protein sequence and biophysical properties (such as structural, functional, and spatial information, amino acid conservation, physicochemical variation, residue mobility, and thermodynamic stability) performed at Invitae indicates that this missense variant is not expected to disrupt CLTC protein function with a negative predictive value of 80%. In summary, the available evidence is currently insufficient to determine the role of this variant in disease. Therefore, it has been classified as a Variant of Uncertain Significance.